The following is an entry in ClinVar:

ClinVar aggregate classification (germline): Benign. Review status: reviewed by expert panel (3 of 4 stars). 12 submissions from 12 submitters: Benign (1). 11 of the submissions do not count toward it. Last evaluated 2018-09-28.

Conditions:
Nonsyndromic genetic hearing loss. Also called: Non-syndromic genetic deafness; Nonsyndromic hearing loss and deafness; Nonsyndromic genetic deafness. Identifiers: Orphanet 87884, MedGen C5680182, MONDO:0019497.
Autosomal recessive nonsyndromic hearing loss 2. Also called: DEAFNESS, AUTOSOMAL RECESSIVE 2; NEUROSENSORY NONSYNDROMIC RECESSIVE DEAFNESS 2. Identifiers: Orphanet 90636, MedGen C1838701, MONDO:0010807, OMIM 600060.
Autosomal dominant nonsyndromic hearing loss 11. Identifiers: Orphanet 90635, MedGen C1832475, MONDO:0011032, OMIM 601317.
Usher syndrome type 1 (USH1). Also called: RETINITIS PIGMENTOSA AND CONGENITAL DEAFNESS. Identifiers: Orphanet 231169, Orphanet 886, MedGen C1568247, MONDO:0010168, OMIM 276900.
Usher syndrome type 1B (USH1B). Also called: Usher syndrome type IB. Identifiers: MedGen C1848638, MONDO:0700087.

Submissions (12):

ClinGen Hearing Loss Variant Curation Expert Panel
Classification: Benign for Nonsyndromic genetic hearing loss. Last evaluated: 2018-09-28. Review status: reviewed by expert panel. Criteria: ClinGen HL ACMG Specifications v1. Collection method: curation. Allele origin: germline.
Comment: The filtering allele frequency of the c.3503+12_3503+33del (p.Gly1172GlufsX34) variant in the MYO7A gene is 50.8% (11084/21494) of European (Finnish) chromosomes by the Genome Aggregation Database (calculated by using inverse allele frequency at an online resource), which is a high enough frequency to be classified as benign based on thresholds defined by the ClinGen Hearing Loss Expert Panel for autosomal recessive hearing loss variants (BA1).

Labcorp Genetics (formerly Invitae), Labcorp
Classification: Benign. Last evaluated: 2026-02-04. Review status: criteria provided, single submitter. Criteria: Invitae Variant Classification Sherloc (09022015). Collection method: clinical testing. Allele origin: germline. Not counted in ClinVar's aggregate classification.

Blueprint Genetics
Classification: Likely benign. Last evaluated: 2024-11-27. Review status: criteria provided, single submitter. Criteria: ACMG Guidelines, 2015. Collection method: clinical testing. Allele origin: germline. Not counted in ClinVar's aggregate classification.

Women's Health and Genetics/Laboratory Corporation of America, LabCorp
Classification: Benign. Last evaluated: 2023-02-07. Review status: criteria provided, single submitter. Criteria: LabCorp Variant Classification Summary - May 2015. Collection method: clinical testing. Allele origin: germline. Not counted in ClinVar's aggregate classification.

Fulgent Genetics
Classification: Benign for Usher syndrome type 1; Autosomal recessive nonsyndromic hearing loss 2; Autosomal dominant nonsyndromic hearing loss 11. Last evaluated: 2021-08-11. Review status: criteria provided, single submitter. Criteria: ACMG Guidelines, 2015. Collection method: clinical testing. Allele origin: unknown. Not counted in ClinVar's aggregate classification.

Mayo Clinic Laboratories, Mayo Clinic
Classification: Benign. Last evaluated: 2020-08-27. Review status: criteria provided, single submitter. Criteria: ACMG Guidelines, 2015. Collection method: clinical testing. Allele origin: germline. Observed: 115 variant alleles. Not counted in ClinVar's aggregate classification.

Mendelics
Classification: Benign for Autosomal recessive nonsyndromic hearing loss 2. Last evaluated: 2019-05-28. Review status: criteria provided, single submitter. Criteria: Mendelics Assertion Criteria 2017. Collection method: clinical testing. Allele origin: unknown. Not counted in ClinVar's aggregate classification.

Eurofins Ntd Llc (ga)
Classification: Benign. Last evaluated: 2015-09-19. Review status: criteria provided, single submitter. Criteria: EGL Classification Definitions 2015. Collection method: clinical testing. Allele origin: germline. Observed: 20 variant alleles, 13 heterozygotes, 4 homozygotes. Not counted in ClinVar's aggregate classification.

GeneDx
Classification: Benign. Last evaluated: 2013-01-14. Review status: criteria provided, single submitter. Criteria: GeneDx Variant Classification (06012015). Collection method: clinical testing. Allele origin: germline. Affected: yes. Not counted in ClinVar's aggregate classification.
Comment: This variant is considered likely benign or benign based on one or more of the following criteria: it is a conservative change, it occurs at a poorly conserved position in the protein, it is predicted to be benign by multiple in silico algorithms, and/or has population frequency not consistent with disease.

Laboratory for Molecular Medicine, Mass General Brigham Personalized Medicine
Classification: Benign. Last evaluated: 2012-11-05. Review status: criteria provided, single submitter. Criteria: LMM Criteria. Collection method: clinical testing. Allele origin: germline. Observed: 1,413 variant alleles. Not counted in ClinVar's aggregate classification.
Comment: See NM_000260 c.3503+12_3503+33del

PreventionGenetics, part of Exact Sciences
Classification: Benign. Review status: criteria provided, single submitter. Criteria: ACMG Guidelines, 2015. Collection method: clinical testing. Allele origin: germline. Not counted in ClinVar's aggregate classification.

Natera, Inc.
Classification: Benign for Usher syndrome type 1B. Last evaluated: 2019-09-25. Review status: no assertion criteria provided. Collection method: clinical testing. Allele origin: germline. Not counted in ClinVar's aggregate classification.

NM_000260.4(MYO7A):c.3503+12_3503+33del

Gene: MYO7A (myosin VIIA; plus strand). Cytogenetic location: 11q13.5.
Variant type: Deletion.
Coding change: c.3503+12_3503+33del on transcript NM_000260.4 (MANE Select); bases 12 to 33 of the intron after coding-DNA position 3503, 22 bases deleted (GAGGCGGGGACACCAGGGCCTG).
Genome position (GRCh38, 1-based): chr11:77,184,727-77,184,748, GAGGCGGGGACACCAGGGCCTG deleted; deleting any 22 consecutive bases within chr11:77,184,726-77,184,748 gives the same sequence; the c. name uses the placement nearest the transcript's 3' end. VCF-style (leftmost placement, unchanged base first): chr11-77184725-GGGAGGCGGGGACACCAGGGCCT-G. GRCh37 (hg19) VCF-style: chr11-76895770-GGGAGGCGGGGACACCAGGGCCT-G.
Other names: p.Gly1172GlufsX34; NM_001127179.2:c.3515_3536del; p.?; c.3503+11_3503+32delGGAGGCGGGGACACCAGGGCCT (NM_000260.3); c.3470+12_3470+33del (NM_001369365.1); c.3503+12_3503+33del (NM_001127180.2); c.3503+12_3503+33delGAGGCGGGGACACCAGGGCCTG (NM_000260.3).
Identifiers: ClinVar variation 43207 (VCV000043207.23), dbSNP rs111033223, ClinGen allele CA132294.